The following is an entry in ClinVar:

ClinVar aggregate classification (germline): Uncertain significance (1 of 4 stars; one submission).

Submission:

Labcorp Genetics (formerly Invitae), Labcorp
Classification: Uncertain significance. Last evaluated: 2024-05-31. Review status: criteria provided, single submitter. Criteria: Invitae Variant Classification Sherloc (09022015). Collection method: clinical testing. Allele origin: germline.
Comment: This variant, c.265_270del, results in the deletion of 2 amino acid(s) of the RNF113A protein (p.Glu89_Glu90del), but otherwise preserves the integrity of the reading frame. This variant is present in population databases (no rsID available, gnomAD 0.004%). This variant has not been reported in the literature in individuals affected with RNF113A-related conditions. Experimental studies and prediction algorithms are not available or were not evaluated, and the functional significance of this variant is currently unknown. In summary, the available evidence is currently insufficient to determine the role of this variant in disease. Therefore, it has been classified as a Variant of Uncertain Significance.

NM_006978.3(RNF113A):c.259GAGGAA[1] (p.Glu89_Glu90del)

Gene: RNF113A (ring finger protein 113A; minus strand). Cytogenetic location: Xq24.
Variant type: Microsatellite.
Coding change: c.259GAGGAA[1] on transcript NM_006978.3 (MANE Select); one copy of the 6-base unit GAGGAA starting at c.259; the reference has two copies in a row; one copy, 6 bases deleted.
Protein change: p.Glu89_Glu90del.
Molecular consequence: inframe deletion.
Genome position (GRCh38, 1-based): chrX:119,871,344-119,871,349, TTCCTC deleted on the plus strand (GAGGAA on the coding strand, the reverse complement: RNF113A is on the minus strand); deleting any 6 consecutive bases within chrX:119,871,344-119,871,358 gives the same sequence; the position shown is the placement nearest the transcript's 3' end. VCF-style (leftmost placement, unchanged base first): chrX-119871343-TTTCCTC-T. GRCh37 (hg19) VCF-style: chrX-119005306-TTTCCTC-T.
Identifiers: ClinVar variation 3610555 (VCV003610555.2).